The following is an entry in ClinVar:

ClinVar aggregate classification (germline): Likely benign (1 of 4 stars; one submission).

Allele frequency attached by ClinVar (database versions not stated): TOPMed 0.00018; ESP Exome Variant Server 0.00031; gnomAD 0.00042 and 0.00044; gnomAD exomes 0.00060; ExAC 0.00079.
gnomAD v4.1: 616 of 1,595,658 alleles (0.039%); highest among the groups gnomAD compares: Non-Finnish European, 0.037%; 1 homozygote.

Submission:

GeneDx
Classification: Likely benign. Last evaluated: 2017-03-21. Review status: criteria provided, single submitter. Criteria: GeneDx Variant Classification (06012015). Collection method: clinical testing. Allele origin: germline. Affected: yes.
Comment: This variant is considered likely benign or benign based on one or more of the following criteria: it is a conservative change, it occurs at a poorly conserved position in the protein, it is predicted to be benign by multiple in silico algorithms, and/or has population frequency not consistent with disease.

NM_002180.3(IGHMBP2):c.-30G>C

Gene: IGHMBP2 (immunoglobulin mu DNA binding protein 2; plus strand). Cytogenetic location: 11q13.3.
Variant type: single nucleotide variant.
Coding change: c.-30G>C on transcript NM_002180.3 (MANE Select); 30 bases upstream of the start codon, G replaced by C.
Molecular consequence: 5 prime UTR variant.
Genome position (GRCh38, 1-based): chr11:68,903,923, G>C. VCF-style: chr11-68903923-G-C. GRCh37 (hg19) VCF-style: chr11-68671391-G-C.
Identifiers: ClinVar variation 379725 (VCV000379725.1), dbSNP rs369459369, ClinGen allele CA6153149.